The following is an entry in ClinVar:

ClinVar aggregate classification (germline): Conflicting classifications of pathogenicity. Review status: criteria provided, conflicting classifications (1 of 4 stars). 5 submissions from 5 submitters: Likely pathogenic (3); Uncertain significance (2). Last evaluated 2026-04-28.

Conditions:
Microcephaly 21, primary, autosomal recessive. Identifiers: MedGen C4693831, MONDO:0054804, OMIM 617983.

Allele frequency attached by ClinVar (database versions not stated): gnomAD 0.00020 and 0.00022; ExAC 0.00021; gnomAD exomes 0.00021 and 0.00052; TOPMed 0.00024; ESP Exome Variant Server 0.00031.
gnomAD v4.1: 790 of 1,613,432 alleles (0.049%); highest among the groups gnomAD compares: Non-Finnish European, 0.063%; no homozygotes.

Submissions (7):

Wales Gene Park, Division Of Cancer and Genetics, Cardiff University
Classification: Likely pathogenic for Microcephaly 21, primary, autosomal recessive. Last evaluated: 2026-04-28. Review status: criteria provided, single submitter. Criteria: ACGS Best Practice Guidelines for Variant Classification in Rare Disease 2024. Collection method: research. Allele origin: inherited. Inheritance: Autosomal recessive inheritance. Affected: yes. Study: 100,000 Genomes Project (Wales).
Comment: Inherited NCAPD2 splice donor variant detected by trio genome sequencing. Low frequency in gnomAD (v4.1.1). SpliceAI predicted donor loss at the adjacent splice site (score 1). The NCAPD2 c.1954+1G>A variant has previously been reported as likely pathogenic in ClinVar (Accession: VCV000546696.46). RNA analysis of proband blood demonstrated the variant caused an in-frame single exon deletion, r.1715_1954del, p.(Gly572_Thr651del). Evidence codes: PVS1_moderate, PM2, PM3, PP4.

Women's Health and Genetics/Laboratory Corporation of America, LabCorp
Classification: Likely pathogenic for Microcephaly 21, primary, autosomal recessive. Last evaluated: 2024-08-16. Review status: criteria provided, single submitter. Criteria: LabCorp Variant Classification Summary - May 2015. Collection method: clinical testing. Allele origin: germline.
Comment: Variant summary: NCAPD2 c.1954+1G>A is located in a canonical splice-site and is predicted to affect mRNA splicing resulting in a significantly altered protein due to either exon skipping, shortening, or inclusion of intronic material. Variants that disrupt the consensus splice site are a relatively common cause of aberrant splicing and loss of NCAPD2 function. Several computational tools predict a significant impact on normal splicing: Four predict the variant abolishes a 5' splicing donor site. However, these predictions have yet to be confirmed by functional studies. The variant allele was found at a frequency of 0.00021 in 251206 control chromosomes. This frequency is not significantly higher than estimated for a pathogenic variant in NCAPD2 causing Microcephaly 21, Primary, Autosomal Recessive, allowing no conclusion about variant significance. To our knowledge, no occurrence of c.1954+1G>A in individuals affected with Microcephaly 21, Primary, Autosomal Recessive and no experimental evidence demonstrating its impact on protein function have been reported. ClinVar contains an entry for this variant (Variation ID: 546696). Based on the evidence outlined above, the variant was classified as likely pathogenic.

GeneDx
Classification: Uncertain significance. Last evaluated: 2023-11-28. Review status: criteria provided, single submitter. Criteria: GeneDx Variant Classification Process June 2021. Collection method: clinical testing. Allele origin: germline. Affected: yes.
Comment: Has not been previously published as pathogenic or benign to our knowledge; Canonical splice site variant predicted to result in an in-frame loss of the adjacent exon in a gene for which loss of function is a known mechanism of disease; This variant is associated with the following publications: (PMID: 31589614)

Department of Pathology and Laboratory Medicine, Sinai Health System
Classification: Uncertain significance for microcephaly 21, primary, autosomal recessive. Last evaluated: 2023-07-13. Review status: criteria provided, single submitter. Criteria: ACMG Guidelines, 2015. Collection method: research. Allele origin: germline.

CeGaT Center for Human Genetics Tuebingen
Classification: Likely pathogenic. Last evaluated: 2018-01-01. Review status: criteria provided, single submitter. Criteria: CeGaT Center For Human Genetics Tuebingen Variant Classification Criteria Version 2. Collection method: clinical testing. Allele origin: germline. Affected: yes. Observed: 2 variant alleles.

Dr. Peter K. Rogan Lab, Western University
No classification provided (evidence only). Condition: Acute myeloid leukemia. Review status: no classification provided. Collection method: in vitro. Allele origin: not applicable. Functional consequence: skipped exon, retained intron. Not counted in ClinVar's aggregate classification.

Dr. Peter K. Rogan Lab, Western University
No classification provided (evidence only). Condition: Acute myeloid leukemia. Review status: no classification provided. Collection method: in vitro. Allele origin: not applicable. Functional consequence: skipped exon, retained intron. Not counted in ClinVar's aggregate classification.

NM_014865.4(NCAPD2):c.1954+1G>A

Gene: NCAPD2 (non-SMC condensin I complex subunit D2; plus strand). Cytogenetic location: 12p13.31.
Variant type: single nucleotide variant.
Coding change: c.1954+1G>A on transcript NM_014865.4 (MANE Select); the canonical splice donor site of the intron after coding-DNA position 1954, G replaced by A.
Molecular consequence: splice donor variant.
Genome position (GRCh38, 1-based): chr12:6,522,038, G>A. VCF-style: chr12-6522038-G-A. GRCh37 (hg19) VCF-style: chr12-6631204-G-A.
Other names: NC_000012.11:g.6631204G>A.
Identifiers: ClinVar variation 546696 (VCV000546696.48), dbSNP rs149296057, ClinGen allele CA6408538.
Genomic context (GRCh38, chr12:6,522,038, plus strand): 5'-GGAAGATTACAGAGGCCATTGGCATCATCAGCAAGATGATGTATGAAAACACAACTACAG[G>A]TATGCCAGAGTCCCTTTCTATAAGGACAGCCTTGGGGTTCTTTTGGATTTTTTAATTTTT-3'